The following is an entry in ClinVar:

NM_000237.3(LPL):c.772G>C (p.Gly258Arg)

Gene: LPL (lipoprotein lipase; plus strand). Cytogenetic location: 8p21.3.
Variant type: single nucleotide variant.
Coding change: c.772G>C on transcript NM_000237.3 (MANE Select); coding-DNA position 772, G replaced by C.
Protein change: p.Gly258Arg; replaces glycine 258 with arginine.
Molecular consequence: missense variant.
Genome position (GRCh38, 1-based): chr8:19,954,350, G>C. VCF-style: chr8-19954350-G-C. GRCh37 (hg19) VCF-style: chr8-19811861-G-C.
Other names: short protein forms G258R.
Identifiers: ClinVar variation 2207916 (VCV002207916.3), dbSNP rs2069964215, ClinGen allele CA370468804.

ClinVar aggregate classification (germline): Uncertain significance (1 of 4 stars; one submission).

Conditions:
Cardiovascular phenotype. Identifiers: MedGen CN230736.

Submission:

Ambry Genetics
Classification: Uncertain significance for Cardiovascular phenotype. Last evaluated: 2025-11-25. Review status: criteria provided, single submitter. Criteria: Ambry Variant Classification Scheme 2023. Collection method: clinical testing. Allele origin: germline.
Comment: The p.G258R variant (also known as c.772G>C), located in coding exon 5 of the LPL gene, results from a G to C substitution at nucleotide position 772. The glycine at codon 258 is replaced by arginine, an amino acid with dissimilar properties. This amino acid position is conserved. In addition, the in silico prediction for this alteration is inconclusive. Based on the available evidence, the clinical significance of this variant remains unclear.